The following is an entry in ClinVar:

ClinVar aggregate classification (germline): Uncertain significance (1 of 4 stars; one submission).

Conditions:
Diamond-Blackfan anemia. Also called: Blackfan Diamond syndrome; Aregenerative anemia chronic congenital; Red cell aplasia, pure hereditary; Congenital hypoplastic anemia; Aase syndrome. Identifiers: Orphanet 124, MedGen C1260899, MeSH D029503, MONDO:0015253, HP:0004810.
GATA binding protein 1 related thrombocytopenia with dyserythropoiesis. Also called: GATA1-Related Cytopenia; GATA1-Related X-Linked Cytopenia. Identifiers: MedGen C1845837, MONDO:0100089.

Allele frequency attached by ClinVar (database versions not stated): gnomAD exomes below 0.00001; gnomAD 0.00001; TOPMed 0.00002.
gnomAD v4.1: 3 of 1,206,833 alleles (0.00025%); highest among the groups gnomAD compares: East Asian, 0.003%; no homozygotes.

Submission:

Labcorp Genetics (formerly Invitae), Labcorp
Classification: Uncertain significance for GATA binding protein 1 related thrombocytopenia with dyserythropoiesis; Diamond-Blackfan anemia. Last evaluated: 2025-06-16. Review status: criteria provided, single submitter. Criteria: Invitae Variant Classification Sherloc (09022015). Collection method: clinical testing. Allele origin: germline.
Comment: This sequence change falls in intron 5 of the GATA1 gene. It does not directly change the encoded amino acid sequence of the GATA1 protein. It affects a nucleotide within the consensus splice site. This variant is present in population databases (no rsID available, gnomAD 0.004%), including at least one homozygous and/or hemizygous individual. This variant has not been reported in the literature in individuals affected with GATA1-related conditions. ClinVar contains an entry for this variant (Variation ID: 2924203). Variants that disrupt the consensus splice site are a relatively common cause of aberrant splicing (PMID: 17576681, 9536098). Algorithms developed to predict the effect of sequence changes on RNA splicing suggest that this variant is not likely to affect RNA splicing. In summary, the available evidence is currently insufficient to determine the role of this variant in disease. Therefore, it has been classified as a Variant of Uncertain Significance.

Literature cited by the submitters: PubMed 17576681; PubMed 9536098.

NM_002049.4(GATA1):c.870+5C>T

Genes: GATA1 (GATA binding protein 1; plus strand), LOC119407405 (CRISPRi-FlowFISH-validated PLP2 regulatory element 6; plus strand). Cytogenetic location: Xp11.23.
Variant type: single nucleotide variant.
Coding change: c.870+5C>T on transcript NM_002049.4 (MANE Select); 5 bases into the intron after coding-DNA position 870, C replaced by T.
Molecular consequence: intron variant.
Genome position (GRCh38, 1-based): chrX:48,793,302, C>T. VCF-style: chrX-48793302-C-T. GRCh37 (hg19) VCF-style: chrX-48651709-C-T.
Identifiers: ClinVar variation 2924203 (VCV002924203.3), dbSNP rs1209546346, ClinGen allele CA641509118.